The following is an entry in ClinVar:

ClinVar aggregate classification (germline): Uncertain significance (1 of 4 stars; one submission).

Submission:

Labcorp Genetics (formerly Invitae), Labcorp
Classification: Uncertain significance. Last evaluated: 2022-02-18. Review status: criteria provided, single submitter. Criteria: Invitae Variant Classification Sherloc (09022015). Collection method: clinical testing. Allele origin: germline.
Comment: This variant is present in population databases (no rsID available, gnomAD no frequency). This sequence change replaces valine, which is neutral and non-polar, with aspartic acid, which is acidic and polar, at codon 934 of the PLEKHM2 protein (p.Val934Asp). This variant has not been reported in the literature in individuals affected with PLEKHM2-related conditions. Algorithms developed to predict the effect of missense changes on protein structure and function are either unavailable or do not agree on the potential impact of this missense change (SIFT: "Deleterious"; PolyPhen-2: "Benign"; Align-GVGD: "Class C15"). In summary, the available evidence is currently insufficient to determine the role of this variant in disease. Therefore, it has been classified as a Variant of Uncertain Significance.

NM_015164.4(PLEKHM2):c.2801T>A (p.Val934Asp)

Gene: PLEKHM2 (pleckstrin homology and RUN domain containing M2; plus strand). Cytogenetic location: 1p36.21.
Variant type: single nucleotide variant.
Coding change: c.2801T>A on transcript NM_015164.4 (MANE Select); coding-DNA position 2801, T replaced by A.
Protein change: p.Val934Asp; replaces valine 934 with aspartic acid.
Molecular consequence: missense variant.
Genome position (GRCh38, 1-based): chr1:15,732,525, T>A. VCF-style: chr1-15732525-T-A. GRCh37 (hg19) VCF-style: chr1-16059020-T-A.
Other names: c.2741T>A, p.Val914Asp (NM_001410755.1); short protein forms V914D, V934D.
Identifiers: ClinVar variation 1964782 (VCV001964782.5), dbSNP rs1481790044, ClinGen allele CA338575157.